The following is an entry in ClinVar:

ClinVar aggregate classification (germline): Uncertain significance (1 of 4 stars; one submission).

Conditions:
Rolandic epilepsy, impaired intellectual development, and speech dyspraxia, X-linked. Also called: Rolandic epilepsy, impaired intellectual development, and speech dyspraxia; Rolandic epilepsy, intellectual disability, and speech dyspraxia, X-linked. Identifiers: MedGen C1845070, MONDO:0010388, OMIM 300643.

Submission:

Labcorp Genetics (formerly Invitae), Labcorp
Classification: Uncertain significance for Rolandic epilepsy, impaired intellectual development, and speech dyspraxia, X-linked. Last evaluated: 2019-12-24. Review status: criteria provided, single submitter. Criteria: Invitae Variant Classification Sherloc (09022015). Collection method: clinical testing. Allele origin: germline.
Comment: This variant results in a copy number gain of the genomic region encompassing the full coding sequence of the SRPX2 gene. The boundaries of this event are unknown as they extend beyond the assayed region for this gene and therefore may encompass additional genes. As the precise location of this event is unknown, it may be in tandem or it may be located elsewhere in the genome. This variant has not been reported in the literature in individuals with SRPX2-related conditions. In summary, the available evidence is currently insufficient to determine the role of this variant in disease. Therefore, it has been classified as a Variant of Uncertain Significance.

NC_000023.11:g.(?_100646303)_(100671007_?)dup

Gene: SRPX2 (sushi repeat containing protein X-linked 2; plus strand). Cytogenetic location: Xq22.1.
Variant type: Duplication.
Identifiers: ClinVar variation 833080 (VCV000833080.2).